The following is an entry in ClinVar:

NM_000784.4(CYP27A1):c.813C>G (p.Tyr271Ter)

Gene: CYP27A1 (cytochrome P450 family 27 subfamily A member 1; plus strand). Cytogenetic location: 2q35.
Variant type: single nucleotide variant.
Coding change: c.813C>G on transcript NM_000784.4 (MANE Select); coding-DNA position 813, C replaced by G.
Protein change: p.Tyr271Ter; replaces tyrosine 271 with a stop codon.
Molecular consequence: nonsense.
Genome position (GRCh38, 1-based): chr2:218,812,718, C>G. VCF-style: chr2-218812718-C-G. GRCh37 (hg19) VCF-style: chr2-219677441-C-G.
Other names: short protein forms Y271*.
Identifiers: ClinVar variation 1071249 (VCV001071249.7), dbSNP rs532134925, ClinGen allele CA350587479.

ClinVar aggregate classification (germline): Pathogenic (1 of 4 stars; one submission).

Conditions:
Cholestanol storage disease (CTX). Also called: Cerebrotendinous Xanthomatosis; CEREBRAL CHOLESTERINOSIS; CTX: Cerebrotendinous xanthomatosis. Identifiers: Orphanet 909, MedGen C0238052, MONDO:0008948, OMIM 213700.

Submission:

Labcorp Genetics (formerly Invitae), Labcorp
Classification: Pathogenic for Cholestanol storage disease. Last evaluated: 2021-11-18. Review status: criteria provided, single submitter. Criteria: Invitae Variant Classification Sherloc (09022015). Collection method: clinical testing. Allele origin: germline.
Comment: This sequence change creates a premature translational stop signal (p.Tyr271*) in the CYP27A1 gene. It is expected to result in an absent or disrupted protein product. Loss-of-function variants in CYP27A1 are known to be pathogenic (PMID: 9392430, 10775536, 26937392). This variant is not present in population databases (gnomAD no frequency). This variant has not been reported in the literature in individuals affected with CYP27A1-related conditions. ClinVar contains an entry for this variant (Variation ID: 1071249). For these reasons, this variant has been classified as Pathogenic.

Literature cited by the submitters: PubMed 9392430; PubMed 10775536; PubMed 26937392.